The following is an entry in ClinVar:

NM_007294.4(BRCA1):c.3794del (p.Asn1265fs)

Genes: BRCA1 (BRCA1 DNA repair associated; minus strand), LOC126862571 (BRD4-independent group 4 enhancer GRCh37_chr17:41243136-41244335; plus strand). Cytogenetic location: 17q21.31.
Variant type: Deletion.
Coding change: c.3794del on transcript NM_007294.4 (MANE Select); coding-DNA position 3794, one base deleted (A; older notation c.3794delA).
Protein change: p.Asn1265fs; shifts the reading frame from asparagine 1265.
Molecular consequence: frameshift variant. On other transcripts: intron variant (135).
Genome position (GRCh38, 1-based): chr17:43,091,737, T deleted on the plus strand (A on the coding strand, the reverse complement: BRCA1 is on the minus strand); the first of 2 consecutive T bases (chr17:43,091,737-43,091,738); deleting either gives the same sequence. VCF-style (leftmost placement, unchanged base first): chr17-43091736-AT-A. GRCh37 (hg19) VCF-style: chr17-41243753-AT-A.
Other names: 3913delA; c.3581del, p.Asn1194fs (NM_001407571.1, NM_001407853.1, NM_001407894.1 and 9 more transcripts); c.3794del, p.Asn1265fs (NM_001407581.1, NM_001407582.1, NM_001407583.1 and 30 more transcripts); c.3791del, p.Asn1264fs (NM_001407587.1, NM_001407590.1, NM_001407591.1 and 22 more transcripts); c.3785del, p.Asn1262fs (NM_001407646.1, NM_001407647.1); c.3671del, p.Asn1224fs (NM_001407648.1, NM_001407664.1, NM_001407665.1 and 19 more transcripts); c.3668del, p.Asn1223fs (NM_001407649.1, NM_001407670.1, NM_001407671.1 and 11 more transcripts); c.3716del, p.Asn1239fs (NM_001407653.1, NM_001407654.1, NM_001407655.1 and 4 more transcripts); and 43 more; short protein forms N1218fs, N1265fs, N1153fs, N1154fs, N1197fs, N1239fs, N1262fs, N397fs.
Identifiers: ClinVar variation 55008 (VCV000055008.6), dbSNP rs80357767, ClinGen allele CA002444.
Genomic context (GRCh38, chr17:43,091,736, plus strand): 5'-AAGGTGATGTTCCTGAGATGCCTTTGCCAATATTACCTGGTTACTGCAGTCATTTAAGCT[AT>A]TCTTCAATGATAATAAATTCTCCTCTGTGTTCTTAGACAGACACTCGGTAGCAACGGTGC-3'

ClinVar aggregate classification (germline): Pathogenic. Review status: reviewed by expert panel (3 of 4 stars). 5 submissions from 5 submitters: Pathogenic (1). 4 of the submissions do not count toward it. Last evaluated 2016-09-08.

Conditions:
Hereditary breast ovarian cancer syndrome. Also called: BRCA1- and BRCA2-Associated Hereditary Breast and Ovarian Cancer; Hereditary breast and ovarian cancer syndrome; Hereditary breast and ovarian cancer syndrome (HBOC); Breast and ovarian cancer; Hereditary breast and/or ovarian cancer syndrome; Hereditary breast and ovarian cancer. Identifiers: Orphanet 145, MedGen C0677776, MeSH D061325, MONDO:0003582. Disease mechanism: loss of function.
Breast-ovarian cancer, familial, susceptibility to, 1 (BROVCA1). Also called: BRCA1 Hereditary Breast and Ovarian Cancer; OVARIAN CANCER, SUSCEPTIBILITY TO. Identifiers: Orphanet 145, MedGen C2676676, MONDO:0011450, OMIM 604370. Disease mechanism: loss of function.
Breast carcinoma. Also called: Carcinoma of breast. Identifiers: MedGen C0678222, MONDO:0004989, HP:0003002.

Submissions (5):

Evidence-based Network for the Interpretation of Germline Mutant Alleles (ENIGMA)
Classification: Pathogenic for Breast-ovarian cancer, familial, susceptibility to, 1. Last evaluated: 2016-09-08. Review status: reviewed by expert panel. Criteria: ENIGMA BRCA1/2 Classification Criteria (2015). Collection method: curation. Allele origin: germline.
Comment: Variant allele predicted to encode a truncated non-functional protein.

Consortium of Investigators of Modifiers of BRCA1/2 (CIMBA), c/o University of Cambridge
Classification: Pathogenic for Breast-ovarian cancer, familial, susceptibility to, 1. Last evaluated: 2015-10-02. Review status: criteria provided, single submitter. Criteria: CIMBA Mutation Classification guidelines May 2016. Collection method: clinical testing. Allele origin: germline. Not counted in ClinVar's aggregate classification.

Medical Genetics Laboratory, Umraniye Training and Research Hospital, University of Health Sciences
Classification: Pathogenic for Breast carcinoma. Last evaluated: 2021-08-08. Review status: no assertion criteria provided. Collection method: clinical testing. Allele origin: germline. Affected: yes. Observed: 1 variant allele, 1 heterozygote. Not counted in ClinVar's aggregate classification.
Comment: Invasive Carcinoma Estrogen Receptor: Positive Progesterone Receptor: Negative HER2 Receptor: Positive

Research Molecular Genetics Laboratory, Women's College Hospital, University of Toronto
Classification: Pathogenic for Hereditary breast ovarian cancer syndrome. Last evaluated: 2014-01-31. Review status: no assertion criteria provided. Collection method: research. Allele origin: germline. Affected: yes. Study: The Canadian Open Genetics Repository (COGR). Not counted in ClinVar's aggregate classification.

Breast Cancer Information Core (BIC) (BRCA1)
Classification: Pathogenic for Breast-ovarian cancer, familial 1. Last evaluated: 2002-05-29. Review status: no assertion criteria provided. Collection method: clinical testing. Allele origin: germline. Affected: yes. Observed: 1 variant allele. Not counted in ClinVar's aggregate classification.